The following is an entry in ClinVar:

NM_000166.6(GJB1):c.632A>G (p.Tyr211Cys)

Gene: GJB1 (gap junction protein beta 1; plus strand). Cytogenetic location: Xq13.1.
Variant type: single nucleotide variant.
Coding change: c.632A>G on transcript NM_000166.6 (MANE Select); coding-DNA position 632, A replaced by G.
Protein change: p.Tyr211Cys; replaces tyrosine 211 with cysteine.
Molecular consequence: missense variant.
Genome position (GRCh38, 1-based): chrX:71,224,339, A>G. VCF-style: chrX-71224339-A-G. GRCh37 (hg19) VCF-style: chrX-70444189-A-G.
Other names: c.632A>G, p.Tyr211Cys (NM_001097642.3); short protein forms Y211C.
Identifiers: ClinVar variation 847587 (VCV000847587.9), dbSNP rs2092546039, ClinGen allele CA413503375.

ClinVar aggregate classification (germline): Pathogenic (1 of 4 stars; one submission).

Conditions:
Charcot-Marie-Tooth Neuropathy X. Identifiers: MedGen CN118851.

Submission:

Labcorp Genetics (formerly Invitae), Labcorp
Classification: Pathogenic for Charcot-Marie-Tooth Neuropathy X. Last evaluated: 2024-12-09. Review status: criteria provided, single submitter. Criteria: Invitae Variant Classification Sherloc (09022015). Collection method: clinical testing. Allele origin: germline.
Comment: This sequence change replaces tyrosine, which is neutral and polar, with cysteine, which is neutral and slightly polar, at codon 211 of the GJB1 protein (p.Tyr211Cys). This variant is not present in population databases (gnomAD no frequency). This missense change has been observed in individual(s) with Charcot-Marie-Tooth (internal data). It has also been observed to segregate with disease in related individuals. ClinVar contains an entry for this variant (Variation ID: 847587). Invitae Evidence Modeling of protein sequence and biophysical properties (such as structural, functional, and spatial information, amino acid conservation, physicochemical variation, residue mobility, and thermodynamic stability) indicates that this missense variant is expected to disrupt GJB1 protein function with a positive predictive value of 95%. This variant disrupts the p.Tyr211 amino acid residue in GJB1. Other variant(s) that disrupt this residue have been determined to be pathogenic (PMID: 11140841, 17100997). This suggests that this residue is clinically significant, and that variants that disrupt this residue are likely to be disease-causing. For these reasons, this variant has been classified as Pathogenic.

Literature cited by the submitters: PubMed 11140841; PubMed 17100997.